The following is an entry in ClinVar:

ClinVar aggregate classification (germline): Likely pathogenic (1 of 4 stars; one submission).

Conditions:
Amyotrophic lateral sclerosis type 1 (ALS1). Also called: AMYOTROPHIC LATERAL SCLEROSIS 1, FAMILIAL. Identifiers: Orphanet 803, MedGen C1862939, MONDO:0007103, OMIM 105400.

Submission:

Human Genome Lab, NIMHANS, National Institute of Mental Health and Neuro Sciences
Classification: Likely pathogenic for Amyotrophic lateral sclerosis type 1. Last evaluated: 2025-04-17. Review status: criteria provided, single submitter. Criteria: ACMG Guidelines, 2015. Collection method: clinical testing. Allele origin: germline. Inheritance: Autosomal dominant inheritance. Affected: yes. Observed: 1 heterozygote.
Comment: The SOD1 gene encodes superoxide dismutase-1, a cytoplasmic antioxidant enzyme that metabolizes superoxide radicals to molecular oxygen and hydrogen peroxide, thus providing a defense against oxygen toxicity. The novel genomic variant c.455T>A is a single nucleotide substitution occurring in the SOD1 gene, resulting in the missense mutation p.Ile152Asn. This mutation involves the replacement of isoleucine with asparagine at the amino acid position 152 of the SOD1 protein.The variant is not found in gnomad 4.1 joint database. The reference nucleotide is conserved across vertebrates. The variant is predicted to be damaging in multiple tools such as CADD 1.7, SIFT, PolyPHen2, M-CAP etc.

NM_000454.5(SOD1):c.455T>A (p.Ile152Asn)

Gene: SOD1 (superoxide dismutase 1; plus strand). Cytogenetic location: 21q22.11.
Variant type: single nucleotide variant.
Coding change: c.455T>A on transcript NM_000454.5 (MANE Select); coding-DNA position 455, T replaced by A.
Protein change: p.Ile152Asn; replaces isoleucine 152 with asparagine.
Molecular consequence: missense variant.
Genome position (GRCh38, 1-based): chr21:31,668,568, T>A. VCF-style: chr21-31668568-T-A. GRCh37 (hg19) VCF-style: chr21-33040881-T-A.
Other names: p.Ile152Asn; short protein forms I152N.
Identifiers: ClinVar variation 3778877 (VCV003778877.1).